The following is an entry in ClinVar:

NC_000006.12:g.135055071T>G

Gene: HBS1L (HBS1 like translational GTPase; minus strand). Cytogenetic location: 6q23.3.
Variant type: single nucleotide variant.
Genome position: GRCh38 VCF-style: chr6-135055071-T-G. GRCh37 (hg19) VCF-style: chr6-135376209-T-G.
Identifiers: ClinVar variation 127266 (VCV000127266.4), dbSNP rs28384513, ClinGen allele CA249794.
Genomic context (GRCh38, chr6:135,055,071, plus strand): 5'-TTGACTGGTTTGGACTAAATGTTGCAAGCGGGGAACCTTGAGCTACCTACGCCAGCGTTC[T>G]GGATTATTTTCCAAATTTGGTTCCTGATAATCTGAGAAAGCTATGCGCTCAGTAAGAGCA-3'

ClinVar aggregate classification (germline): Uncertain significance (0 of 4 stars; one submission).

Allele frequency attached by ClinVar (database versions not stated): 1000 Genomes Project 30x 0.25406; 1000 Genomes Project 0.25659; TOPMed 0.29655; gnomAD 0.31338.

Submission:

Genomic Research Center, Shahid Beheshti University of Medical Sciences
Classification: Uncertain significance. Review status: no assertion criteria provided. Collection method: not provided. Allele origin: inherited.
ClinVar note: Converted during submission from unknown to Uncertain significance.